The following is an entry in ClinVar:

NM_002890.3(RASA1):c.2446_2463dup (p.Ile821_Met822insAspSerIleLeuLysIle)

Genes: CCNH (cyclin H; minus strand), RASA1 (RAS p21 protein activator 1; plus strand). Cytogenetic location: 5q14.3.
Variant type: Duplication.
Coding change: c.2446_2463dup on transcript NM_002890.3 (MANE Select); coding-DNA positions 2446 to 2463, 18 bases duplicated (GACTCTATTTTAAAGATA).
Protein change: p.Ile821_Met822insAspSerIleLeuLysIle.
Molecular consequence: inframe insertion. On other transcripts: intron variant (1).
Genome position (GRCh38, 1-based): chr5:87,378,497-87,378,514, GACTCTATTTTAAAGATA duplicated; duplicating any 18 consecutive bases within chr5:87,378,496-87,378,514 gives the same sequence; the c. name uses the placement nearest the transcript's 3' end. VCF-style (leftmost placement, unchanged base first): chr5-87378495-A-AAGACTCTATTTTAAAGAT. GRCh37 (hg19) VCF-style: chr5-86674312-A-AAGACTCTATTTTAAAGAT.
Other names: c.1915_1932dup, p.Ile644_Met645insAspSerIleLeuLysIle (NM_022650.3); c.933+16531_933+16548dup (NM_001364075.2).
Identifiers: ClinVar variation 4538482 (VCV004538482.1).
Genomic context (GRCh38, chr5:87,378,495, plus strand): 5'-GCACCTTGATGGAGCAGTATATGAAAGCCACTGCTACACAGTTTGTTCATCATGCTTTGA[A>AAGACTCTATTTTAAAGAT]AGACTCTATTTTAAAGATAATGGAAAGCAAGCAGTCTTGTGAGGTAAGAATTTAATGTTT-3'

ClinVar aggregate classification (germline): Uncertain significance (1 of 4 stars; one submission).

Conditions:
Capillary malformation-arteriovenous malformation 1 (CMAVM1). Identifiers: Orphanet 137667, Orphanet 693907, MedGen C4747394, MONDO:0020783, OMIM 608354.

Submission:

Genetics Department, Catlab
Classification: Uncertain significance for Capillary malformation-arteriovenous malformation 1. Last evaluated: 2025-12-18. Review status: criteria provided, single submitter. Criteria: ACMG Guidelines, 2015. Collection method: clinical testing. Allele origin: germline. Affected: yes.
Comment: The c.2446_2463dup variant duplicates the presence of six amino acids in the protein, changing the size of the protein without altering the readins frame (PM4_moderate). This change is not present in the gnomAD 4.1 database (PM2_moderate). With all the available evidence, the variant is classified as of uncertain significance.